The following is an entry in ClinVar:

ClinVar aggregate classification (germline): Uncertain significance (1 of 4 stars; one submission).

Allele frequency attached by ClinVar (database versions not stated): gnomAD exomes below 0.00001.
gnomAD v4.1: 3 of 1,613,848 alleles (0.00019%); highest among the groups gnomAD compares: Non-Finnish European, 0.00025%; no homozygotes.

Submission:

Ambry Genetics
Classification: Uncertain significance. Last evaluated: 2023-12-24. Review status: criteria provided, single submitter. Criteria: Ambry Variant Classification Scheme 2023. Collection method: clinical testing. Allele origin: germline.
Comment: The p.P625S variant (also known as c.1873C>T), located in coding exon 12 of the POLQ gene, results from a C to T substitution at nucleotide position 1873. The proline at codon 625 is replaced by serine, an amino acid with similar properties. This amino acid position is conserved. In addition, the in silico prediction for this alteration is inconclusive. Since supporting evidence is limited at this time, the clinical significance of this alteration remains unclear.

NM_199420.4(POLQ):c.1873C>T (p.Pro625Ser)

Gene: POLQ (DNA polymerase theta; minus strand). Cytogenetic location: 3q13.33.
Variant type: single nucleotide variant.
Coding change: c.1873C>T on transcript NM_199420.4 (MANE Select); coding-DNA position 1873, C replaced by T.
Protein change: p.Pro625Ser; replaces proline 625 with serine.
Molecular consequence: missense variant.
Genome position (GRCh38, 1-based): chr3:121,509,647, G>A on the plus strand (C>T on the coding strand, the complement: POLQ is on the minus strand). VCF-style: chr3-121509647-G-A. GRCh37 (hg19) VCF-style: chr3-121228494-G-A.
Other names: short protein forms P625S.
Identifiers: ClinVar variation 1781730 (VCV001781730.2), dbSNP rs1308978970, ClinGen allele CA354113741.